The following is an entry in ClinVar:

NM_006017.3(PROM1):c.2094C>A (p.Ser698Arg)

Gene: PROM1 (prominin 1; minus strand). Cytogenetic location: 4p15.32.
Variant type: single nucleotide variant.
Coding change: c.2094C>A on transcript NM_006017.3 (MANE Select); coding-DNA position 2094, C replaced by A.
Protein change: p.Ser698Arg; replaces serine 698 with arginine.
Molecular consequence: missense variant.
Genome position (GRCh38, 1-based): chr4:15,987,699, G>T on the plus strand (C>A on the coding strand, the complement: PROM1 is on the minus strand). VCF-style: chr4-15987699-G-T. GRCh37 (hg19) VCF-style: chr4-15989322-G-T.
Other names: c.2067C>A, p.Ser689Arg (NM_001145847.2, NM_001145848.2, NM_001145851.2 and 4 more transcripts); c.2094C>A, p.Ser698Arg (NM_001145849.2, NM_001145850.2); short protein forms S689R, S698R.
Identifiers: ClinVar variation 900895 (VCV000900895.14), dbSNP rs199727800, ClinGen allele CA2866509.

ClinVar aggregate classification (germline): Conflicting classifications of pathogenicity. Review status: criteria provided, conflicting classifications (1 of 4 stars). 8 submissions from 5 submitters: Uncertain significance (6); Benign (1); Likely benign (1). Last evaluated 2025-07-27.

Conditions:
Optic atrophy. Identifiers: MedGen C0029124, MONDO:0003608, HP:0000648.
Retinitis pigmentosa (RP). Identifiers: Orphanet 791, MedGen C0035334, MeSH D012174, MONDO:0019200, OMIM 268000. Inheritance: Autosomal dominant, autosomal recessive and X linked inheritance.
PROM1-related disorder. Also called: PROM1-related disorders; PROM1-related condition.
Cone-rod dystrophy 12 (CORD12). Identifiers: Orphanet 1872, MedGen C2675210, MONDO:0012983, OMIM 612657.
Retinal macular dystrophy type 2 (MCDR2). Also called: Bull's eye macular dystrophy. Identifiers: Orphanet 319640, MedGen C4749334, MONDO:0011957, OMIM 608051.
Stargardt disease 4 (STGD4). Identifiers: Orphanet 827, MedGen C1863534, MONDO:0011370, OMIM 603786.

Allele frequency attached by ClinVar (database versions not stated): TOPMed 0.00002.
gnomAD v4.1: 122 of 1,610,946 alleles (0.0076%); highest among the groups gnomAD compares: Middle Eastern, 0.17%; 1 homozygote.

Submissions (8):

Labcorp Genetics (formerly Invitae), Labcorp
Classification: Uncertain significance. Last evaluated: 2025-07-27. Review status: criteria provided, single submitter. Criteria: Invitae Variant Classification Sherloc (09022015). Collection method: clinical testing. Allele origin: germline.
Comment: This sequence change replaces serine, which is neutral and polar, with arginine, which is basic and polar, at codon 698 of the PROM1 protein (p.Ser698Arg). This variant is present in population databases (rs199727800, gnomAD 0.1%). This variant has not been reported in the literature in individuals affected with PROM1-related conditions. ClinVar contains an entry for this variant (Variation ID: 900895). Invitae Evidence Modeling of protein sequence and biophysical properties (such as structural, functional, and spatial information, amino acid conservation, physicochemical variation, residue mobility, and thermodynamic stability) indicates that this missense variant is not expected to disrupt PROM1 protein function with a negative predictive value of 80%. In summary, the available evidence is currently insufficient to determine the role of this variant in disease. Therefore, it has been classified as a Variant of Uncertain Significance.

PreventionGenetics, part of Exact Sciences
Classification: Uncertain significance for PROM1-related condition. Last evaluated: 2025-04-03. Review status: criteria provided, single submitter. Criteria: ACMG Guidelines, 2015. Collection method: clinical testing. Allele origin: germline.
Comment: The PROM1 c.2094C>A variant is predicted to result in the amino acid substitution p.Ser698Arg. This variant has been reported in the heterozygous state in individual with Leber congenital amaurosis (Eisenberger et al 2013. PubMed ID: 24265693); however, this individual was also apparently homozygous for a frameshift variant in RPGRIP1. This variant is reported in 0.15% of alleles in individuals of Ashkenazi Jewish descent in gnomAD. Although we suspect that this variant may be benign, at this time, the clinical significance of this variant is uncertain due to the absence of conclusive functional and genetic evidence.

Blueprint Genetics
Classification: Uncertain significance. Last evaluated: 2024-09-24. Review status: criteria provided, single submitter. Criteria: ACMG Guidelines, 2015. Collection method: clinical testing. Allele origin: germline.

Institute of Human Genetics, Univ. Regensburg, Univ. Regensburg
Classification: Uncertain significance for Optic atrophy. Last evaluated: 2023-01-01. Review status: criteria provided, single submitter. Criteria: ACMG Guidelines, 2015. Collection method: clinical testing. Allele origin: germline. Affected: yes.

Illumina Laboratory Services, Illumina
Classification: Likely benign for Stargardt disease 4. Last evaluated: 2017-09-26. Review status: criteria provided, single submitter. Criteria: ICSL Variant Classification Criteria 13 December 2019. Collection method: clinical testing. Allele origin: germline.
Comment: This variant was observed as part of a predisposition screen in an ostensibly healthy population. A literature search was performed for the gene, cDNA change, and amino acid change (where applicable). Publications were found based on this search. The evidence from the literature, in combination with allele frequency data from public databases where available, was sufficient to determine this variant is unlikely to cause disease. Therefore, this variant is classified as likely benign.

Illumina Laboratory Services, Illumina
Classification: Uncertain significance for Retinal macular dystrophy type 2. Last evaluated: 2017-09-26. Review status: criteria provided, single submitter. Criteria: ICSL Variant Classification Criteria 13 December 2019. Collection method: clinical testing. Allele origin: germline.
Comment: This variant was observed as part of a predisposition screen in an ostensibly healthy population. A literature search was performed for the gene, cDNA change, and amino acid change (where applicable). Publications were found based on this search. However, the evidence from the literature, in combination with allele frequency data from public databases where available, was not sufficient to rule this variant in or out of causing disease. Therefore, this variant is classified as a variant of unknown significance.

Illumina Laboratory Services, Illumina
Classification: Uncertain significance for Retinitis pigmentosa. Last evaluated: 2017-09-26. Review status: criteria provided, single submitter. Criteria: ICSL Variant Classification Criteria 13 December 2019. Collection method: clinical testing. Allele origin: germline.
Comment: the same text as in the submission from Illumina Laboratory Services, Illumina above.

Illumina Laboratory Services, Illumina
Classification: Benign for Cone-rod dystrophy 12. Last evaluated: 2017-09-26. Review status: criteria provided, single submitter. Criteria: ICSL Variant Classification Criteria 13 December 2019. Collection method: clinical testing. Allele origin: germline.
Comment: This variant was observed as part of a predisposition screen in an ostensibly healthy population. A literature search was performed for the gene, cDNA change, and amino acid change (where applicable). Publications were found based on this search. The evidence from the literature, in combination with allele frequency data from public databases where available, was sufficient to rule this variant out of causing disease. Therefore, this variant is classified as benign.

Literature cited by the submitters: PubMed 24265693 (cited by Institute of Human Genetics, Univ. Regensburg, Univ. Regensburg and Illumina Laboratory Services, Illumina).